The following is an entry in ClinVar:

NM_006086.4(TUBB3):c.644T>A (p.Leu215His)

Gene: TUBB3 (tubulin beta 3 class III; plus strand). Cytogenetic location: 16q24.3.
Variant type: single nucleotide variant.
Coding change: c.644T>A on transcript NM_006086.4 (MANE Select); coding-DNA position 644, T replaced by A.
Protein change: p.Leu215His; replaces leucine 215 with histidine.
Molecular consequence: missense variant.
Genome position (GRCh38, 1-based): chr16:89,935,095, T>A. VCF-style: chr16-89935095-T-A. GRCh37 (hg19) VCF-style: chr16-90001503-T-A.
Other names: c.428T>A, p.Leu143His (NM_001197181.2); short protein forms L143H, L215H.
Identifiers: ClinVar variation 1690692 (VCV001690692.2), dbSNP rs2151092849, ClinGen allele CA397475029.
Genomic context (GRCh38, chr16:89,935,095, plus strand): 5'-ACACGGATGAGACCTACTGCATCGACAACGAGGCGCTCTACGACATCTGCTTCCGCACCC[T>A]CAAGCTGGCCACGCCCACCTACGGGGACCTCAACCACCTGGTATCGGCCACCATGAGCGG-3'
Protein context (NP_006077.2, residues 205-225): EALYDICFRT[Leu215His]KLATPTYGDL

ClinVar aggregate classification (germline): Uncertain significance (1 of 4 stars; one submission).

Submission:

Laboratorio de Genetica e Diagnostico Molecular, Hospital Israelita Albert Einstein
Classification: Uncertain significance. Last evaluated: 2019-10-02. Review status: criteria provided, single submitter. Criteria: ACMG Guidelines, 2015. Collection method: clinical testing. Allele origin: germline. Affected: yes.
Comment: ACMG classification criteria: PM2, PP2, PP3, PP4